The following is an entry in ClinVar:

NM_004525.3(LRP2):c.9613A>G (p.Asn3205Asp)

Gene: LRP2 (LDL receptor related protein 2; minus strand). Cytogenetic location: 2q31.1.
Variant type: single nucleotide variant.
Coding change: c.9613A>G on transcript NM_004525.3 (MANE Select); coding-DNA position 9613, A replaced by G.
Protein change: p.Asn3205Asp; replaces asparagine 3205 with aspartic acid.
Molecular consequence: missense variant.
Genome position (GRCh38, 1-based): chr2:169,185,735, T>C on the plus strand (A>G on the coding strand, the complement: LRP2 is on the minus strand). VCF-style: chr2-169185735-T-C. GRCh37 (hg19) VCF-style: chr2-170042245-T-C.
Other names: p.Asn3205Asp; short protein forms N3205D.
Identifiers: ClinVar variation 773126 (VCV000773126.46), dbSNP rs35734447, ClinGen allele CA1953541.

ClinVar aggregate classification (germline): Benign/Likely benign. Review status: criteria provided, multiple submitters, no conflicts (2 of 4 stars). 12 submissions from 12 submitters: Benign (5); Likely benign (3). 4 of the submissions do not count toward it. Last evaluated 2026-08-01.

Conditions:
Donnai-Barrow syndrome. Also called: DBS/FOAR SYNDROME; FACIOOCULOACOUSTICORENAL SYNDROME. Identifiers: Orphanet 2143, MedGen C1857277, MONDO:0009104, OMIM 222448.
LRP2-related disorder. Also called: LRP2-related condition.

Allele frequency attached by ClinVar (database versions not stated): 1000 Genomes Project 30x 0.00141; 1000 Genomes Project 0.00180; TOPMed 0.00283; ESP Exome Variant Server 0.00338; gnomAD exomes 0.00364 and 0.00389; ExAC 0.00397; gnomAD 0.00421 and 0.00426.
gnomAD v4.1: 5,915 of 1,613,952 alleles (0.37%); highest among the groups gnomAD compares: Non-Finnish European, 0.36%; 18 homozygotes.

Submissions (12):

CeGaT Center for Human Genetics Tuebingen
Classification: Likely benign. Last evaluated: 2026-08-01. Review status: criteria provided, single submitter. Criteria: CeGaT Center For Human Genetics Tuebingen Variant Classification Criteria Version 2. Collection method: clinical testing. Allele origin: germline. Affected: yes. Observed: 26 variant alleles.
Comment: LRP2: BS2

Labcorp Genetics (formerly Invitae), Labcorp
Classification: Benign. Last evaluated: 2026-01-24. Review status: criteria provided, single submitter. Criteria: Invitae Variant Classification Sherloc (09022015). Collection method: clinical testing. Allele origin: germline.

Mayo Clinic Laboratories, Mayo Clinic
Classification: Likely benign. Last evaluated: 2025-02-06. Review status: criteria provided, single submitter. Criteria: ACMG Guidelines, 2015. Collection method: clinical testing. Allele origin: germline. Observed: 2 variant alleles.
Comment: BS1, BS2

Blueprint Genetics
Classification: Likely benign. Last evaluated: 2024-11-23. Review status: criteria provided, single submitter. Criteria: ACMG Guidelines, 2015. Collection method: clinical testing. Allele origin: germline.

Women's Health and Genetics/Laboratory Corporation of America, LabCorp
Classification: Benign. Last evaluated: 2022-06-30. Review status: criteria provided, single submitter. Criteria: LabCorp Variant Classification Summary - May 2015. Collection method: clinical testing. Allele origin: germline.
Comment: Variant summary: LRP2 c.9613A>G (p.Asn3205Asp) results in a conservative amino acid change in the encoded protein sequence. Four of five in-silico tools predict a damaging effect of the variant on protein function. The variant allele was found at a frequency of 0.0039 in 251082 control chromosomes in the gnomAD database, including 5 homozygotes. The observed variant frequency is approximately 3 fold of the estimated maximal expected allele frequency for a pathogenic variant in LRP2 causing Donnai Barrow Syndrome phenotype (0.0011), strongly suggesting that the variant is benign. To our knowledge, no occurrence of c.9613A>G in individuals affected with Donnai Barrow Syndrome and no experimental evidence demonstrating its impact on protein function have been reported. Three ClinVar submitters (evaluation after 2014) cite the variant as benign. Based on the evidence outlined above, the variant was classified as benign.

Genome-Nilou Lab
Classification: Benign for Donnai-Barrow syndrome. Last evaluated: 2021-07-15. Review status: criteria provided, single submitter. Criteria: ACMG Guidelines, 2015. Collection method: clinical testing. Allele origin: germline. Affected: no.

Illumina Laboratory Services, Illumina
Classification: Benign for Donnai-Barrow syndrome. Last evaluated: 2017-08-24. Review status: criteria provided, single submitter. Criteria: ICSL Variant Classification Criteria 13 December 2019. Collection method: clinical testing. Allele origin: germline.
Comment: This variant was observed as part of a predisposition screen in an ostensibly healthy population. A literature search was performed for the gene, cDNA change, and amino acid change (where applicable). Publications were found based on this search. The evidence from the literature, in combination with allele frequency data from public databases where available, was sufficient to rule this variant out of causing disease. Therefore, this variant is classified as benign.

Breakthrough Genomics
Classification: Benign. Review status: criteria provided, single submitter. Criteria: ACMG Guidelines, 2015. Collection method: not provided. Allele origin: germline. Inheritance: Autosomal recessive inheritance. Affected: yes.

PreventionGenetics, part of Exact Sciences
Classification: Benign for LRP2-related condition. Last evaluated: 2019-11-20. Review status: no assertion criteria provided. Collection method: clinical testing. Allele origin: germline. Not counted in ClinVar's aggregate classification.
Comment: This variant is classified as benign based on ACMG/AMP sequence variant interpretation guidelines (Richards et al. 2015 PMID: 25741868, with internal and published modifications).

Clinical Genetics DNA and cytogenetics Diagnostics Lab, Erasmus MC, Erasmus Medical Center
Classification: Likely benign. Review status: no assertion criteria provided. Collection method: clinical testing. Allele origin: germline. Affected: yes. Study: VKGL Data-share Consensus. Not counted in ClinVar's aggregate classification.

Joint Genome Diagnostic Labs from Nijmegen and Maastricht, Radboudumc and MUMC+
Classification: Likely benign. Review status: no assertion criteria provided. Collection method: clinical testing. Allele origin: germline. Affected: yes. Study: VKGL Data-share Consensus. Not counted in ClinVar's aggregate classification.

Laboratory of Diagnostic Genome Analysis, Leiden University Medical Center (LUMC)
Classification: Likely benign. Review status: no assertion criteria provided. Collection method: clinical testing. Allele origin: germline. Affected: yes. Study: VKGL Data-share Consensus. Not counted in ClinVar's aggregate classification.

Literature cited by the submitters: PubMed 26118977 (cited by Illumina Laboratory Services, Illumina).